The following is an entry in ClinVar:

NM_199355.4(ADAMTS18):c.52C>G (p.Pro18Ala)

Gene: ADAMTS18 (ADAM metallopeptidase with thrombospondin type 1 motif 18; minus strand). Cytogenetic location: 16q23.1.
Variant type: single nucleotide variant.
Coding change: c.52C>G on transcript NM_199355.4 (MANE Select); coding-DNA position 52, C replaced by G.
Protein change: p.Pro18Ala; replaces proline 18 with alanine.
Molecular consequence: missense variant. On other transcripts: 5 prime UTR variant (1).
Genome position (GRCh38, 1-based): chr16:77,434,644, G>C on the plus strand (C>G on the coding strand, the complement: ADAMTS18 is on the minus strand). VCF-style: chr16-77434644-G-C. GRCh37 (hg19) VCF-style: chr16-77468541-G-C.
Other names: c.-469C>G (NM_001326358.2); c.52C>G (NM_199355.2); short protein forms P18A.
Identifiers: ClinVar variation 2170150 (VCV002170150.2), dbSNP rs1292972331, ClinGen allele CA396851928.
Genomic context (GRCh38, chr16:77,434,644, plus strand): 5'-AGCTCCGCTCGGCGGCACCTGCCTTGGCCACGCGCCCCAGTCCCGCCAGGCCCCTCGGCG[G>C]GCCCGAACCCGCAGCCGGGAAGGCACACGCGAGCAGGAGGGCGCACTCCATGGTCAGGTG-3'
Protein context (NP_955387.1, residues 8-28): ACAFPAAGSG[Pro18Ala]PRGLAGLGRV

ClinVar aggregate classification (germline): Uncertain significance. Review status: criteria provided, multiple submitters, no conflicts (2 of 4 stars). 2 submissions from 2 submitters: Uncertain significance (2). Last evaluated 2025-10-02.

Conditions:
Inborn genetic diseases. Identifiers: MedGen C0950123, MeSH D030342.

Allele frequency attached by ClinVar (database versions not stated): gnomAD exomes 0.00001.
gnomAD v4.1: 6 of 1,481,902 alleles (0.0004%); highest among the groups gnomAD compares: Admixed American, 0.014%; no homozygotes.

Submissions (2):

Ambry Genetics
Classification: Uncertain significance for Inborn genetic diseases. Last evaluated: 2025-10-02. Review status: criteria provided, single submitter. Criteria: Ambry Variant Classification Scheme 2023. Collection method: clinical testing. Allele origin: germline.

Labcorp Genetics (formerly Invitae), Labcorp
Classification: Uncertain significance. Last evaluated: 2022-02-17. Review status: criteria provided, single submitter. Criteria: Invitae Variant Classification Sherloc (09022015). Collection method: clinical testing. Allele origin: germline.
Comment: This sequence change replaces proline, which is neutral and non-polar, with alanine, which is neutral and non-polar, at codon 18 of the ADAMTS18 protein (p.Pro18Ala). This variant is present in population databases (no rsID available, gnomAD 0.04%). This variant has not been reported in the literature in individuals affected with ADAMTS18-related conditions. Algorithms developed to predict the effect of missense changes on protein structure and function are either unavailable or do not agree on the potential impact of this missense change (SIFT: "Not Available"; PolyPhen-2: "Probably Damaging"; Align-GVGD: "Not Available"). In summary, the available evidence is currently insufficient to determine the role of this variant in disease. Therefore, it has been classified as a Variant of Uncertain Significance.